The following is an entry in ClinVar:

NM_000454.5(SOD1):c.301G>A (p.Glu101Lys)

Gene: SOD1 (superoxide dismutase 1; plus strand). Cytogenetic location: 21q22.11.
Variant type: single nucleotide variant.
Coding change: c.301G>A on transcript NM_000454.5 (MANE Select); coding-DNA position 301, G replaced by A.
Protein change: p.Glu101Lys; replaces glutamic acid 101 with lysine.
Molecular consequence: missense variant.
Genome position (GRCh38, 1-based): chr21:31,667,319, G>A. VCF-style: chr21-31667319-G-A. GRCh37 (hg19) VCF-style: chr21-33039632-G-A.
Other names: short protein forms E101K.
Identifiers: ClinVar variation 574319 (VCV000574319.9), dbSNP rs76731700, ClinGen allele CA410037495.

ClinVar aggregate classification (germline): Pathogenic/Likely pathogenic. Review status: criteria provided, multiple submitters, no conflicts (2 of 4 stars). 3 submissions from 3 submitters: Pathogenic (2); Likely pathogenic (1). Last evaluated 2025-09-02.

Conditions:
Amyotrophic lateral sclerosis (ALS). Also called: Lou Gehrig disease; Charcot disease. Identifiers: Orphanet 803, MedGen C0002736, MONDO:0004976, HP:0007354.
Amyotrophic lateral sclerosis type 1 (ALS1). Also called: AMYOTROPHIC LATERAL SCLEROSIS 1, FAMILIAL. Identifiers: Orphanet 803, MedGen C1862939, MONDO:0007103, OMIM 105400.

Submissions (3):

Labcorp Genetics (formerly Invitae), Labcorp
Classification: Pathogenic for Amyotrophic lateral sclerosis type 1. Last evaluated: 2025-09-02. Review status: criteria provided, single submitter. Criteria: Invitae Variant Classification Sherloc (09022015). Collection method: clinical testing. Allele origin: germline.
Comment: This sequence change replaces glutamic acid, which is acidic and polar, with lysine, which is basic and polar, at codon 101 of the SOD1 protein (p.Glu101Lys). This variant is not present in population databases (gnomAD no frequency). This missense change has been observed in individuals with autosomal dominant amyotrophic lateral sclerosis (PMID: 15258228, 20460594, 20540686, 29411640; internal data). It has also been observed to segregate with disease in related individuals. This variant is also known as 382G>A (E100K). ClinVar contains an entry for this variant (Variation ID: 574319). Invitae Evidence Modeling of protein sequence and biophysical properties (such as structural, functional, and spatial information, amino acid conservation, physicochemical variation, residue mobility, and thermodynamic stability) indicates that this missense variant is not expected to disrupt SOD1 protein function with a negative predictive value of 95%. Experimental studies have shown that this missense change affects SOD1 function (PMID: 19483195, 23280792, 25600987). This variant disrupts the p.Glu101 amino acid residue in SOD1. Other variant(s) that disrupt this residue have been determined to be pathogenic (PMID: 19483195, 20399791, 23280792, 26362407, 28105640). This suggests that this residue is clinically significant, and that variants that disrupt this residue are likely to be disease-causing. For these reasons, this variant has been classified as Pathogenic.

Dept. of Medical Genetics, Telemark Hospital Trust, Telemark Hospital Trust
Classification: Likely pathogenic for Amyotrophic Lateral Sclerosis. Last evaluated: 2022-01-01. Review status: criteria provided, single submitter. Criteria: ACMG Guidelines, 2015. Collection method: research. Allele origin: germline. Affected: yes.

Athena Diagnostics
Classification: Pathogenic. Last evaluated: 2021-06-07. Review status: criteria provided, single submitter. Criteria: Athena Diagnostics Criteria. Collection method: clinical testing. Allele origin: unknown.
Comment: This variant has not been reported in large, multi-ethnic general populations. This variant has been identified in multiple unrelated individuals with clinical features associated with this gene. In some published literature, this variant is referred to as E100K. Assessment of experimental evidence suggests this variant results in abnormal protein function. This variant increased propensity of the protein to form aggregates (PMID: 19483195, 25600987).

Literature cited by the submitters: PubMed 15258228 (cited by Labcorp Genetics (formerly Invitae), Labcorp); PubMed 20460594 (cited by Labcorp Genetics (formerly Invitae), Labcorp and Athena Diagnostics); PubMed 20540686 (cited by Labcorp Genetics (formerly Invitae), Labcorp and Athena Diagnostics); PubMed 29411640 (cited by Labcorp Genetics (formerly Invitae), Labcorp); PubMed 19483195 (cited by Labcorp Genetics (formerly Invitae), Labcorp and Athena Diagnostics); PubMed 23280792 (cited by Labcorp Genetics (formerly Invitae), Labcorp and Athena Diagnostics); PubMed 25600987 (cited by Labcorp Genetics (formerly Invitae), Labcorp and Athena Diagnostics); PubMed 20399791 (cited by Labcorp Genetics (formerly Invitae), Labcorp); PubMed 26362407 (cited by Labcorp Genetics (formerly Invitae), Labcorp); PubMed 28105640 (cited by Labcorp Genetics (formerly Invitae), Labcorp); PubMed 8875253 (cited by Athena Diagnostics); PubMed 14506936 (cited by Athena Diagnostics); PubMed 22292843 (cited by Athena Diagnostics); PubMed 11467054 (cited by Athena Diagnostics); PubMed 14623191 (cited by Athena Diagnostics); PubMed 15069187 (cited by Athena Diagnostics); PubMed 16020530 (cited by Athena Diagnostics); PubMed 17255946 (cited by Athena Diagnostics); PubMed 25052939 (cited by Athena Diagnostics); PubMed 15952898 (cited by Athena Diagnostics).